The following is an entry in ClinVar:

ClinVar aggregate classification (germline): Uncertain significance. Review status: criteria provided, multiple submitters, no conflicts (2 of 4 stars). 2 submissions from 2 submitters: Uncertain significance (2). Last evaluated 2024-10-19.

Conditions:
Inborn genetic diseases. Identifiers: MedGen C0950123, MeSH D030342.

Allele frequency attached by ClinVar (database versions not stated): ExAC 0.00003; ESP Exome Variant Server 0.00008; gnomAD 0.00009.

Submissions (2):

Labcorp Genetics (formerly Invitae), Labcorp
Classification: Uncertain significance. Last evaluated: 2024-10-19. Review status: criteria provided, single submitter. Criteria: Invitae Variant Classification Sherloc (09022015). Collection method: clinical testing. Allele origin: germline.
Comment: This sequence change replaces alanine, which is neutral and non-polar, with serine, which is neutral and polar, at codon 883 of the GRM1 protein (p.Ala883Ser). This variant is present in population databases (rs376290378, gnomAD 0.03%). This variant has not been reported in the literature in individuals affected with GRM1-related conditions. ClinVar contains an entry for this variant (Variation ID: 2392284). An algorithm developed to predict the effect of missense changes on protein structure and function (PolyPhen-2) suggests that this variant is likely to be tolerated. In summary, the available evidence is currently insufficient to determine the role of this variant in disease. Therefore, it has been classified as a Variant of Uncertain Significance.

Ambry Genetics
Classification: Uncertain significance for Inborn genetic diseases. Last evaluated: 2021-04-28. Review status: criteria provided, single submitter. Criteria: Ambry Variant Classification Scheme 2023. Collection method: clinical testing. Allele origin: germline.

NM_001278064.2(GRM1):c.2647G>T (p.Ala883Ser)

Gene: GRM1 (glutamate metabotropic receptor 1; plus strand). Cytogenetic location: 6q24.3.
Variant type: single nucleotide variant.
Coding change: c.2647G>T on transcript NM_001278064.2 (MANE Select); coding-DNA position 2647, G replaced by T.
Protein change: p.Ala883Ser; replaces alanine 883 with serine.
Molecular consequence: missense variant.
Genome position (GRCh38, 1-based): chr6:146,399,686, G>T. VCF-style: chr6-146399686-G-T. GRCh37 (hg19) VCF-style: chr6-146720822-G-T.
Other names: NM_000838.3:c.2647G>T; c.2647G>T, p.Ala883Ser (NM_001278065.2, NM_001278066.1, NM_001278067.1); short protein forms A883S.
Identifiers: ClinVar variation 2392284 (VCV002392284.4), dbSNP rs376290378, ClinGen allele CA4037475.
Genomic context (GRCh38, chr6:146,399,686, plus strand): 5'-GGCAAGCTGCCCTGCCGCTCCAACACTTTCCTCAACATCTTCCGAAGAAAGAAGGCAGGG[G>T]CAGGGAATGCCAAGTGAGTTATCTGACCTGTTTGTCTCTCTTTTCTCTTCCTTTCTCTGT-3'
Protein context (NP_001264993.1, residues 873-893): LNIFRRKKAG[Ala883Ser]GNANSNGKSV